The following is an entry in ClinVar:

NM_017849.4(TMEM127):c.281G>C (p.Arg94Pro)

Gene: TMEM127 (transmembrane protein 127; minus strand). Cytogenetic location: 2q11.2.
Variant type: single nucleotide variant.
Coding change: c.281G>C on transcript NM_017849.4 (MANE Select); coding-DNA position 281, G replaced by C.
Protein change: p.Arg94Pro; replaces arginine 94 with proline.
Molecular consequence: missense variant.
Genome position (GRCh38, 1-based): chr2:96,254,961, C>G on the plus strand (G>C on the coding strand, the complement: TMEM127 is on the minus strand). VCF-style: chr2-96254961-C-G. GRCh37 (hg19) VCF-style: chr2-96920699-C-G.
Other names: c.281G>C, p.Arg94Pro (NM_001193304.3); c.29G>C, p.Arg10Pro (NM_001407282.1, NM_001407283.1); short protein forms R10P, R94P.
Identifiers: ClinVar variation 3326713 (VCV003326713.1).

ClinVar aggregate classification (germline): Uncertain significance (1 of 4 stars; one submission).

Conditions:
Hereditary cancer-predisposing syndrome. Also called: Neoplastic Syndromes, Hereditary; Tumor predisposition; Hereditary neoplastic syndrome; Hereditary Cancer Syndrome. Identifiers: Orphanet 140162, MedGen C0027672, MeSH D009386, MONDO:0015356.

Submission:

Ambry Genetics
Classification: Uncertain significance for Hereditary cancer-predisposing syndrome. Last evaluated: 2024-06-14. Review status: criteria provided, single submitter. Criteria: Ambry Variant Classification Scheme 2023. Collection method: clinical testing. Allele origin: germline.
Comment: The p.R94P variant (also known as c.281G>C), located in coding exon 2 of the TMEM127 gene, results from a G to C substitution at nucleotide position 281. The arginine at codon 94 is replaced by proline, an amino acid with dissimilar properties. This amino acid position is conserved. In addition, this alteration is predicted to be deleterious by in silico analysis. Based on the available evidence, the clinical significance of this variant remains unclear.